The following is an entry in ClinVar:

NM_004715.5(CTDP1):c.2817T>C (p.Asp939=)

Gene: CTDP1 (CTD phosphatase 1; plus strand). Cytogenetic location: 18q23.
Variant type: single nucleotide variant.
Coding change: c.2817T>C on transcript NM_004715.5 (MANE Select); coding-DNA position 2817, T replaced by C.
Protein change: p.Asp939=; no amino-acid change (aspartic acid 939 retained).
Molecular consequence: synonymous variant. On other transcripts: 3 prime UTR variant (2).
Genome position (GRCh38, 1-based): chr18:79,753,721, T>C. VCF-style: chr18-79753721-T-C. GRCh37 (hg19) VCF-style: chr18-77513721-T-C.
Other names: p.Asp939=; c.2460T>C, p.Asp820= (NM_001202504.1); c.*46T>C (NM_001318511.2); c.*50T>C (NM_048368.4).
Identifiers: ClinVar variation 128865 (VCV000128865.23), dbSNP rs626169, ClinGen allele CA152523.

ClinVar aggregate classification (germline): Benign. Review status: criteria provided, multiple submitters, no conflicts (2 of 4 stars). 10 submissions from 10 submitters: Benign (7). 3 of the submissions do not count toward it. Last evaluated 2026-02-04.

Conditions:
Congenital cataracts-facial dysmorphism-neuropathy syndrome (CCFDN). Also called: CTDP1-Related Congenital Cataracts, Facial Dysmorphism, and Neuropathy; CATARACT, CONGENITAL, WITH FACIAL DYSMORPHISM AND NEUROPATHY. Identifiers: Orphanet 48431, MedGen C1858726, MONDO:0011402, OMIM 604168.

Allele frequency attached by ClinVar (database versions not stated): 1000 Genomes Project 30x 0.89163; 1000 Genomes Project 0.89517; ESP Exome Variant Server 0.89643; TOPMed 0.89720; gnomAD 0.90284 and 0.90887; ExAC 0.96657; gnomAD exomes 0.97115 and 0.98748.
gnomAD v4.1: 1,580,941 of 1,614,048 alleles (98%); highest among the groups gnomAD compares: East Asian, 100%; 777,656 homozygotes.

Submissions (10):

Labcorp Genetics (formerly Invitae), Labcorp
Classification: Benign. Last evaluated: 2026-02-04. Review status: criteria provided, single submitter. Criteria: Invitae Variant Classification Sherloc (09022015). Collection method: clinical testing. Allele origin: germline.

Blueprint Genetics
Classification: Benign. Last evaluated: 2024-11-28. Review status: criteria provided, single submitter. Criteria: ACMG Guidelines, 2015. Collection method: clinical testing. Allele origin: germline.

Mayo Clinic Laboratories, Mayo Clinic
Classification: Benign. Last evaluated: 2023-01-10. Review status: criteria provided, single submitter. Criteria: ACMG Guidelines, 2015. Collection method: clinical testing. Allele origin: germline. Observed: 2,575 variant alleles.

Genome-Nilou Lab
Classification: Benign for Congenital cataracts-facial dysmorphism-neuropathy syndrome. Last evaluated: 2021-07-30. Review status: criteria provided, single submitter. Criteria: ACMG Guidelines, 2015. Collection method: clinical testing. Allele origin: germline. Affected: no.

GeneDx
Classification: Benign. Last evaluated: 2015-03-03. Review status: criteria provided, single submitter. Criteria: GeneDx Variant Classification Process June 2021. Collection method: clinical testing. Allele origin: germline. Affected: yes.

Breakthrough Genomics
Classification: Benign. Review status: criteria provided, single submitter. Criteria: ACMG Guidelines, 2015. Collection method: not provided. Allele origin: germline. Inheritance: Autosomal recessive inheritance. Affected: yes.

PreventionGenetics, part of Exact Sciences
Classification: Benign. Review status: criteria provided, single submitter. Criteria: ACMG Guidelines, 2015. Collection method: clinical testing. Allele origin: germline.

Clinical Genetics, Academic Medical Center
Classification: Benign. Review status: no assertion criteria provided. Collection method: clinical testing. Allele origin: germline. Affected: yes. Study: VKGL Data-share Consensus. Not counted in ClinVar's aggregate classification.

Diagnostic Laboratory, Department of Genetics, University Medical Center Groningen
Classification: Benign for Congenital cataracts-facial dysmorphism-neuropathy syndrome. Review status: no assertion criteria provided. Collection method: clinical testing. Allele origin: germline. Affected: yes. Study: VKGL Data-share Consensus. Not counted in ClinVar's aggregate classification.

Genetic Services Laboratory, University of Chicago
Classification: Likely benign for AllHighlyPenetrant. Review status: no assertion criteria provided. Collection method: clinical testing. Allele origin: germline. Inheritance: Autosomal recessive inheritance. Not counted in ClinVar's aggregate classification.
Comment: Likely benign based on allele frequency in 1000 Genomes Project or ESP global frequency and its presence in a patient with a rare or unrelated disease phenotype. NOT Sanger confirmed.